The following is an entry in ClinVar:

NM_015922.3(NSDHL):c.841C>G (p.Arg281Gly)

Gene: NSDHL (NAD(P) dependent 3-beta-hydroxysteroid dehydrogenase NSDHL; plus strand). Cytogenetic location: Xq28.
Variant type: single nucleotide variant.
Coding change: c.841C>G on transcript NM_015922.3 (MANE Select); coding-DNA position 841, C replaced by G.
Protein change: p.Arg281Gly; replaces arginine 281 with glycine.
Molecular consequence: missense variant.
Genome position (GRCh38, 1-based): chrX:152,868,835, C>G. VCF-style: chrX-152868835-C-G. GRCh37 (hg19) VCF-style: chrX-152037379-C-G.
Other names: c.841C>G, p.Arg281Gly (NM_001129765.2, NM_001441099.1); short protein forms R281G.
Identifiers: ClinVar variation 4697435 (VCV004697435.1).
Genomic context (GRCh38, chrX:152,868,835, plus strand): 5'-TCCCGCCAGGCATTTCACATCACCAATGATGAGCCCATCCCTTTCTGGACATTCCTGTCT[C>G]GCATCCTGACAGGCCTCAATTATGAGGCCCCCAAGTACCACATCCCCTACTGGGTGGCCT-3'
Protein context (NP_057006.1, residues 271-291): EPIPFWTFLS[Arg281Gly]ILTGLNYEAP

ClinVar aggregate classification (germline): Uncertain significance (1 of 4 stars; one submission).

gnomAD v4.1: 24 of 1,209,542 alleles (0.002%); highest among the groups gnomAD compares: Non-Finnish European, 0.0022%; no homozygotes.

Submission:

Labcorp Genetics (formerly Invitae), Labcorp
Classification: Uncertain significance. Last evaluated: 2025-04-22. Review status: criteria provided, single submitter. Criteria: Invitae Variant Classification Sherloc (09022015). Collection method: clinical testing. Allele origin: germline.
Comment: This sequence change replaces arginine, which is basic and polar, with glycine, which is neutral and non-polar, at codon 281 of the NSDHL protein (p.Arg281Gly). This variant is present in population databases (no rsID available, gnomAD 0.001%). This variant has not been reported in the literature in individuals affected with NSDHL-related conditions. An algorithm developed to predict the effect of missense changes on protein structure and function (PolyPhen-2) suggests that this variant is likely to be disruptive. In summary, the available evidence is currently insufficient to determine the role of this variant in disease. Therefore, it has been classified as a Variant of Uncertain Significance.